The following is an entry in ClinVar:

ClinVar aggregate classification (germline): Benign. Review status: criteria provided, multiple submitters, no conflicts (2 of 4 stars). 2 submissions from 2 submitters: Benign (2). Last evaluated 2018-06-16.

Allele frequency attached by ClinVar (database versions not stated): gnomAD exomes 0.00742; gnomAD 0.06784 and 0.07252; 1000 Genomes Project 0.07528; TOPMed 0.07790; 1000 Genomes Project 30x 0.07995.
gnomAD v4.1: 19,150 of 1,274,562 alleles (1.5%); highest among the groups gnomAD compares: African/African-American, 23%; 1,982 homozygotes.

Submissions (2):

GeneDx
Classification: Benign. Last evaluated: 2018-06-16. Review status: criteria provided, single submitter. Criteria: GeneDx Variant Classification (06012015). Collection method: clinical testing. Allele origin: germline. Affected: yes.
Comment: This variant is considered likely benign or benign based on one or more of the following criteria: it is a conservative change, it occurs at a poorly conserved position in the protein, it is predicted to be benign by multiple in silico algorithms, and/or has population frequency not consistent with disease.

Breakthrough Genomics
Classification: Benign. Review status: criteria provided, single submitter. Criteria: ACMG Guidelines, 2015. Collection method: not provided. Allele origin: germline. Inheritance: Unknown mechanism. Affected: yes.

NM_012335.4(MYO1F):c.1611-73C>T

Gene: MYO1F (myosin IF; minus strand). Cytogenetic location: 19p13.2.
Variant type: single nucleotide variant.
Coding change: c.1611-73C>T on transcript NM_012335.4 (MANE Select); 73 bases into the intron before coding-DNA position 1611, C replaced by T.
Molecular consequence: intron variant.
Genome position (GRCh38, 1-based): chr19:8,540,101, G>A on the plus strand (C>T on the coding strand, the complement: MYO1F is on the minus strand). VCF-style: chr19-8540101-G-A. GRCh37 (hg19) VCF-style: chr19-8604985-G-A.
Other names: c.1599-73C>T (NM_001348355.2).
Identifiers: ClinVar variation 683500 (VCV000683500.2), dbSNP rs113395896, ClinGen allele CA14724858.